The following is an entry in ClinVar:

ClinVar aggregate classification (germline): Pathogenic (1 of 4 stars; one submission).

Conditions:
Acrocallosal syndrome (ACLS). Also called: HALLUX DUPLICATION, POSTAXIAL POLYDACTYLY, AND ABSENCE OF CORPUS CALLOSUM; Schinzel syndrome 1; Absence of corpus callosum with unusual facial appearance, mental deficiency, duplication of the halluces and polydactyly. Identifiers: Orphanet 36, MedGen C0796147, MONDO:0008708, OMIM 200990.

Submission:

Labcorp Genetics (formerly Invitae), Labcorp
Classification: Pathogenic for Acrocallosal syndrome. Last evaluated: 2025-06-06. Review status: criteria provided, single submitter. Criteria: Invitae Variant Classification Sherloc (09022015). Collection method: clinical testing. Allele origin: germline.
Comment: This sequence change creates a premature translational stop signal (p.Glu979*) in the KIF7 gene. It is expected to result in an absent or disrupted protein product. Loss-of-function variants in KIF7 are known to be pathogenic (PMID: 19666503, 21552264, 21633164, 26648833). Information on the frequency of this variant in the gnomAD database is not available, as this variant may be reported differently in the database. This variant has not been reported in the literature in individuals affected with KIF7-related conditions. For these reasons, this variant has been classified as Pathogenic.

Literature cited by the submitters: PubMed 19666503; PubMed 21552264; PubMed 21633164; PubMed 26648833.

NM_198525.3(KIF7):c.2934_2935delinsAT (p.Glu979Ter)

Gene: KIF7 (kinesin family member 7; minus strand). Cytogenetic location: 15q26.1.
Variant type: Indel.
Coding change: c.2934_2935delinsAT on transcript NM_198525.3 (MANE Select); coding-DNA positions 2934 to 2935, GG replaced by AT.
Protein change: p.Glu979Ter; replaces glutamic acid 979 with a stop codon.
Molecular consequence: nonsense.
Genome position (GRCh38, 1-based): chr15:89,631,671-89,631,672, CC replaced by AT on the plus strand (GG replaced by AT on the coding strand, the reverse complement: KIF7 is on the minus strand). VCF-style: chr15-89631671-CC-AT. GRCh37 (hg19) VCF-style: chr15-90174902-CC-AT.
Other names: short protein forms E979*.
Identifiers: ClinVar variation 4720873 (VCV004720873.1).